The following is an entry in ClinVar:

ClinVar aggregate classification (germline): Uncertain significance (1 of 4 stars; one submission).

Conditions:
Cardiovascular phenotype. Identifiers: MedGen CN230736.

Allele frequency attached by ClinVar (database versions not stated): gnomAD exomes below 0.00001; gnomAD 0.00001; TOPMed 0.00001.
gnomAD v4.1: 9 of 1,613,246 alleles (0.00056%); highest among the groups gnomAD compares: African/African-American, 0.0093%; no homozygotes.

Submission:

Ambry Genetics
Classification: Uncertain significance for Cardiovascular phenotype. Last evaluated: 2019-05-24. Review status: criteria provided, single submitter. Criteria: Ambry Variant Classification Scheme 2023. Collection method: clinical testing. Allele origin: germline.
Comment: The p.R15823T variant (also known as c.47468G>C), located in coding exon 153 of the TTN gene, results from a G to C substitution at nucleotide position 47468. The arginine at codon 15823 is replaced by threonine, an amino acid with similar properties. This amino acid position is highly conserved in available vertebrate species. In addition, this alteration is predicted to be tolerated by in silico analysis. Since supporting evidence is limited at this time, the clinical significance of this alteration remains unclear.

NM_001267550.2(TTN):c.74663G>C (p.Arg24888Thr)

Genes: TTN (titin; minus strand), TTN-AS1 (TTN antisense RNA 1; plus strand). Cytogenetic location: 2q31.2.
Variant type: single nucleotide variant.
Coding change: c.74663G>C on transcript NM_001267550.2 (MANE Select); coding-DNA position 74663, G replaced by C.
Protein change: p.Arg24888Thr; replaces arginine 24888 with threonine.
Molecular consequence: missense variant.
Genome position (GRCh38, 1-based): chr2:178,571,469, C>G on the plus strand (G>C on the coding strand, the complement: TTN is on the minus strand). VCF-style: chr2-178571469-C-G. GRCh37 (hg19) VCF-style: chr2-179436196-C-G.
Other names: c.69740G>C, p.Arg23247Thr (NM_001256850.1); c.47468G>C, p.Arg15823Thr (NM_003319.4); c.66959G>C, p.Arg22320Thr (NM_133378.4); c.47843G>C, p.Arg15948Thr (NM_133432.3); c.48044G>C, p.Arg16015Thr (NM_133437.4); short protein forms R15823T, R23247T, R15948T, R16015T, R22320T, R24888T.
Identifiers: ClinVar variation 1742798 (VCV001742798.2), dbSNP rs1708151139, ClinGen allele CA349632309.